The following is an entry in ClinVar:

NM_001875.5(CPS1):c.2810T>A (p.Ile937Asn)

Gene: CPS1 (carbamoyl-phosphate synthase 1; plus strand). Cytogenetic location: 2q34.
Variant type: single nucleotide variant.
Coding change: c.2810T>A on transcript NM_001875.5 (MANE Select); coding-DNA position 2810, T replaced by A.
Protein change: p.Ile937Asn; replaces isoleucine 937 with asparagine.
Molecular consequence: missense variant. On other transcripts: non-coding transcript variant (2).
Genome position (GRCh38, 1-based): chr2:210,637,824, T>A. VCF-style: chr2-210637824-T-A. GRCh37 (hg19) VCF-style: chr2-211502548-T-A.
Other names: c.2810T>A, p.Ile937Asn (NM_001122633.3, NM_001369257.1); c.2843T>A, p.Ile948Asn (NM_001369256.1); c.2810T>A (LRG_336t1); short protein forms I937N, I948N.
Identifiers: ClinVar variation 557702 (VCV000557702.12), dbSNP rs760714614, ClinGen allele CA2086747.

ClinVar aggregate classification (germline): Conflicting classifications of pathogenicity. Review status: criteria provided, conflicting classifications (1 of 4 stars). 6 submissions from 6 submitters: Likely pathogenic (4); Uncertain significance (1). 1 of the submissions does not count toward it. Last evaluated 2025-09-23.

Conditions:
Inborn genetic diseases. Identifiers: MedGen C0950123, MeSH D030342.
Pulmonary hypertension, neonatal, susceptibility to (PHN). Identifiers: MedGen C3714958, MONDO:0014151, OMIM 615371.
Congenital hyperammonemia, type I. Also called: Carbamoyl phosphate synthetase 1 deficiency; Hyperammonemia due to carbamoyl phosphate synthetase 1 deficiency; CPS 1 deficiency; Carbamyl phosphate synthetase (CPS) deficiency; Carbamoyl phosphate synthetase I deficiency disease; Carbamoyl-phosphate synthase I deficiency. Identifiers: Orphanet 147, MedGen C4082171, MONDO:0009376, OMIM 237300.

Allele frequency attached by ClinVar (database versions not stated): gnomAD exomes 0.00001 and 0.00002; gnomAD 0.00001; TOPMed 0.00002; ExAC 0.00002.
gnomAD v4.1: 17 of 1,613,720 alleles (0.0011%); highest among the groups gnomAD compares: Admixed American, 0.018%; no homozygotes.

Submissions (6):

3billion
Classification: Likely pathogenic for Congenital hyperammonemia, type I. Last evaluated: 2025-09-23. Review status: criteria provided, single submitter. Criteria: ACMG Guidelines, 2015. Collection method: clinical testing. Allele origin: germline. Affected: yes.
Comment: The variant is observed at an extremely low frequency in the gnomAD v4.1.0 dataset (total allele frequency: 0.001%). Predicted Consequence/Location: Missense variant. The majority of the known disease-causing variants of this gene are variants expected to result in premature termination of the protein. Functional studies provide moderate evidence of the variant having a damaging effect on the gene or gene product (PMID: 24813853). In silico tool predictions suggest damaging effect of the variant on gene or gene product [REVEL: 0.96 (>=0.6, sensitivity 0.68 and specificity 0.92)]. The same nucleotide change resulting in the same amino acid change has been previously reported as pathogenic/likely pathogenic with strong evidence (ClinVar ID: VCV000557702 /PMID: 24813853). Therefore, this variant is classified as Likely pathogenic according to the recommendation of ACMG/AMP guideline.

Fulgent Genetics
Classification: Likely pathogenic for Congenital hyperammonemia, type I; Pulmonary hypertension, neonatal, susceptibility to. Last evaluated: 2024-06-19. Review status: criteria provided, single submitter. Criteria: ACMG Guidelines, 2015. Collection method: clinical testing. Allele origin: germline.

Baylor Genetics
Classification: Likely pathogenic for Pulmonary hypertension, neonatal, susceptibility to. Last evaluated: 2024-02-05. Review status: criteria provided, single submitter. Criteria: ACMG Guidelines, 2015. Collection method: clinical testing. Allele origin: unknown.

Labcorp Genetics (formerly Invitae), Labcorp
Classification: Uncertain significance for Congenital hyperammonemia, type I. Last evaluated: 2022-09-01. Review status: criteria provided, single submitter. Criteria: Invitae Variant Classification Sherloc (09022015). Collection method: clinical testing. Allele origin: germline.
Comment: This sequence change replaces isoleucine, which is neutral and non-polar, with asparagine, which is neutral and polar, at codon 937 of the CPS1 protein (p.Ile937Asn). This variant is present in population databases (rs760714614, gnomAD 0.02%). This missense change has been observed in individual(s) with clinical features of carbamoyl phosphate synthetase 1 deficiency (PMID: 24813853, 32718099). ClinVar contains an entry for this variant (Variation ID: 557702). Algorithms developed to predict the effect of missense changes on protein structure and function are either unavailable or do not agree on the potential impact of this missense change (SIFT: "Deleterious"; PolyPhen-2: "Possibly Damaging"; Align-GVGD: "Class C0"). Experimental studies have shown that this missense change affects CPS1 function (PMID: 24813853). In summary, the available evidence is currently insufficient to determine the role of this variant in disease. Therefore, it has been classified as a Variant of Uncertain Significance.

Ambry Genetics
Classification: Likely pathogenic for Inborn genetic diseases. Last evaluated: 2018-01-26. Review status: criteria provided, single submitter. Criteria: Ambry exome assertion method (8-5-2015). Collection method: clinical testing. Allele origin: germline. Affected: yes. Observed: 1 variant allele.

Counsyl
Classification: Uncertain significance for Congenital hyperammonemia, type I. Last evaluated: 2018-04-11. Review status: no assertion criteria provided. Collection method: clinical testing. Allele origin: unknown. Not counted in ClinVar's aggregate classification.

Literature cited by the submitters: PubMed 24813853 (cited by 4 submitters); PubMed 32718099 (cited by Labcorp Genetics (formerly Invitae), Labcorp).